The following is an entry in ClinVar:

NR_003051.3(RMRP):n.64C>T

Gene: RMRP (RNA component of mitochondrial RNA processing endoribonuclease; minus strand). Cytogenetic location: 9p13.3.
Variant type: single nucleotide variant.
Genome position: GRCh38 VCF-style: chr9-35657955-G-A. GRCh37 (hg19) VCF-style: chr9-35657952-G-A.
Other names: 63C-T.
Identifiers: ClinVar variation 189086 (VCV000189086.21), dbSNP rs786204684, ClinGen allele CA274361.
Genomic context (GRCh38, chr9:35,657,955, plus strand): 5'-GAATGTCTACGTGCGTATGCACGTGGCACTCTCTGCCCGAGGTCCGGGGACTTTCCCCTA[G>A]GCGGAAAGGGGAGGAACAGAGTCCTCAGTGTGTAGCCTAGGATACAGGCCTTCAGCACGA-3'

ClinVar aggregate classification (germline): Pathogenic. Review status: reviewed by expert panel (3 of 4 stars). 12 submissions from 12 submitters: Pathogenic (1). 11 of the submissions do not count toward it. Last evaluated 2026-10-16.

Conditions:
RMRP-related disorder. Also called: RMRP-related condition.
Anauxetic dysplasia. Identifiers: Orphanet 93347, MedGen C1846796, MONDO:0011773.
Anauxetic dysplasia 1 (ANXD1). Also called: Anauxetic Dysplasia (AD). Identifiers: Orphanet 93347, MedGen C4551965, MONDO:0054560, OMIM 607095.
Metaphyseal dysplasia without hypotrichosis. Also called: CARTILAGE-HAIR HYPOPLASIA VARIANT, SKELETAL MANIFESTATIONS ONLY; CARTILAGE-HAIR HYPOPLASIA-LIKE SKELETAL DYSPLASIA WITHOUT HYPOTRICHOSIS OR IMMUNODEFICIENCY; Metaphyseal Dysplasia without Hypotrichosis (MDWH). Identifiers: MedGen C1834821, MONDO:0009601, OMIM 250460.
Metaphyseal chondrodysplasia, McKusick type (CHH). Also called: Cartilage-hair hypoplasia; Cartilage-Hair Hypoplasia (CHH). Identifiers: Orphanet 175, MedGen C0220748, MONDO:0009595, OMIM 250250.

Allele frequency attached by ClinVar (database versions not stated): gnomAD exomes 0.00003 and 0.00005; gnomAD 0.00004; TOPMed 0.00002.
gnomAD v4.1: 33 of 700,332 alleles (0.0047%); highest among the groups gnomAD compares: Non-Finnish European, 0.0081%; no homozygotes.

Submissions (12):

ClinGen Severe Combined Immunodeficiency Variant Curation Expert Panel, ClinGen
Classification: Pathogenic for Metaphyseal chondrodysplasia, McKusick type. Last evaluated: 2026-10-16. Review status: reviewed by expert panel. Criteria: ClinGen SCID ACMG Specifications RMRP V1.3. Collection method: curation. Allele origin: germline. Inheritance: Autosomal recessive inheritance.
Comment: The variant NC_000009.12:g.35657955G>A in RMRP is also known as n.64C>T or 63C>T. This variant has been found in a homozygous state in two siblings (0.5 pt) and detected in trans in 8 other patients with the variants n.71A>G (1 pt), n.5C>T (0.25 pt), n.71A>G (1 pt), n.-2314dup10 (0.25 pt), n.41G>A (0.25 pt), n.71A>G (1 pt), n.41G>A (0.25 pt), n.71A>G (1 pt), reaching a total of 5 points and meeting PM3_VeryStrong (PMID: 33444820). Multiple affected family members were found to carry the homozygous variant n.64C>T with two affected patients, reaching 0.6 of the calculated LOD score, and therefore, PP1is met at the default strength (PMID: 33444820). At least one patient carrying the allele n.64C>T presents with metaphyseal dysplasia (+1.0 point) and hair hypoplasia (+0.5 point), and is described as having combined immunodeficiency (+1.0 point), for a total of 2.5 points. Therefore PP4_Moderate is met (PMID: 33444820). An endonucleolytic cleavage activity assay showed increased levels of uncleaved mRNA in human fibroblast cells transiently transfected with RMRP construct carrying this variant compared to cells expressing WT RMRP. This assay is one of the approved functional assays specified by the SCID VCEP. However, because no animal model has been reported for this variant, the evidence strength is downgraded to PS3_Supporting (PMID: 17701897). In summary, this variant is classified as Pathogenic for Autosomal recessive Cartilage Hair Hypoplasia based on the ACMG/AMP criteria applied, as specified by the ClinGen SCID VCEP: PP4_Moderate, PM3_Very Strong, PS3_Supporting and PP1 (VCEP specifications version 1.3). NR_003051.3 is the historic transcript with the first nucleotide of the transcribed non-coding RNA that differs from the current MANE transcript, namely NR_003051.4. In this curation, NR_003051.3 was used in the following PMID(s): 33444820, 17701897.

Labcorp Genetics (formerly Invitae), Labcorp
Classification: Pathogenic for Anauxetic dysplasia. Last evaluated: 2025-10-13. Review status: criteria provided, single submitter. Criteria: Invitae Variant Classification Sherloc (09022015). Collection method: clinical testing. Allele origin: germline. Not counted in ClinVar's aggregate classification.
Comment: This variant occurs in the RMRP gene, which encodes an RNA molecule that does not result in a protein product. This variant is present in population databases (rs786204684, gnomAD 0.006%). This variant has been observed in individual(s) with RMRP-related conditions (PMID: 12107819, 14569125, 16244706). In at least one individual the data is consistent with being in trans (on the opposite chromosome) from a pathogenic variant. This variant is also known as g.63C>T. ClinVar contains an entry for this variant (Variation ID: 189086). Algorithms developed to predict the effect of variants on gene product structure and function are not available or were not evaluated for this variant. Experimental studies have shown that this variant affects RMRP function (PMID: 17701897). For these reasons, this variant has been classified as Pathogenic.

Natera, Inc.
Classification: Pathogenic for Cartilage-hair hypoplasia. Last evaluated: 2025-01-27. Review status: criteria provided, single submitter. Criteria: Natera Variant Classification Schema (03/2026). Collection method: clinical testing. Allele origin: germline. Not counted in ClinVar's aggregate classification.
Comment: The n.64C>T variant in RMRP is characterized as a single nucleotide variant (SNV). This variant is rare in the general population with a frequency below the threshold expected for the associated phenotype(s). This variant has been observed in one or more individuals affected with the associated recessive disease, as either homozygous or compound heterozygous with a second variant (PMID: 33444820, 33567347, 12107819, 16244706). This variant has been observed to segregate in affected family members (PMID: 33444820, 33567347). Given the available evidence, this variant is classified as Pathogenic.

Blueprint Genetics
Classification: Pathogenic for RMRP-related disorders. Last evaluated: 2024-04-18. Review status: criteria provided, single submitter. Criteria: ACMG Guidelines, 2015. Collection method: clinical testing. Allele origin: germline. Affected: yes. Observed: 5 variant alleles. Not counted in ClinVar's aggregate classification.

Institute for Clinical Genetics, University Hospital TU Dresden, University Hospital TU Dresden
Classification: Pathogenic. Last evaluated: 2022-09-01. Review status: criteria provided, single submitter. Criteria: ACMG Guidelines, 2015. Collection method: clinical testing. Allele origin: germline. Not counted in ClinVar's aggregate classification.

Women's Health and Genetics/Laboratory Corporation of America, LabCorp
Classification: Pathogenic for Metaphyseal chondrodysplasia, McKusick type. Last evaluated: 2019-01-08. Review status: criteria provided, single submitter. Criteria: LabCorp Variant Classification Summary - May 2015. Collection method: clinical testing. Allele origin: germline. Not counted in ClinVar's aggregate classification.
Comment: Variant summary: The RMRP n.64C>T (also known as n.63C>T) variant involves the alteration of a conserved nucleotide. The variant allele was found was found at a frequency of 2.4e-05 in 125614 control chromosomes (gnomAD). n.64C>T has been reported in the literature homozygote and compound heterozygote individuals affected with Cartilage-Hair Hypoplasia (Bonafe_2005, Bordon_2010, Ridanpaa_2002). These data indicate that the variant is likely to be associated with disease. To our knowledge, no experimental evidence demonstrating an impact on protein function has been reported. No clinical diagnostic laboratories have submitted clinical-significance assessments for this variant to ClinVar after 2014. Based on the evidence outlined above, the variant was classified as pathogenic.

Fulgent Genetics
Classification: Likely pathogenic for Metaphyseal chondrodysplasia, McKusick type; Metaphyseal dysplasia without hypotrichosis; Anauxetic dysplasia 1. Last evaluated: 2018-10-31. Review status: criteria provided, single submitter. Criteria: ACMG Guidelines, 2015. Collection method: clinical testing. Allele origin: unknown. Not counted in ClinVar's aggregate classification.

Counsyl
Classification: Likely pathogenic for Metaphyseal chondrodysplasia, McKusick type. Last evaluated: 2014-12-15. Review status: no assertion criteria provided. Collection method: literature only. Allele origin: unknown. Inheritance: Autosomal recessive inheritance. Not counted in ClinVar's aggregate classification.

OMIM
Classification: Pathogenic for CARTILAGE-HAIR HYPOPLASIA. Last evaluated: 2003-10-01. Review status: no assertion criteria provided. Collection method: literature only. Allele origin: germline. Not counted in ClinVar's aggregate classification.

Clinical Genetics DNA and cytogenetics Diagnostics Lab, Erasmus MC, Erasmus Medical Center
Classification: Pathogenic. Review status: no assertion criteria provided. Collection method: clinical testing. Allele origin: germline. Affected: yes. Study: VKGL Data-share Consensus. Not counted in ClinVar's aggregate classification.

Department of Pediatrics, University of Modena and Reggio Emilia
Classification: Pathogenic for Metaphyseal chondrodysplasia, McKusick type. Review status: no assertion criteria provided. Collection method: clinical testing. Allele origin: inherited. Affected: yes. Observed: 2 heterozygotes, 2 homozygotes. Not counted in ClinVar's aggregate classification.
Comment: We reported two Tunisian siblings with cartilage-hair hypoplasia presenting with severe rizhomelic dwarfism and c.63C>T C63T homozygous mutation in RMRP gene. Although the C63T c.63C>T has been already recognized as pathogenic in compounds heterozygous mutations, at the best of our knowledge, it has never been reported in homozygous state

Joint Genome Diagnostic Labs from Nijmegen and Maastricht, Radboudumc and MUMC+
Classification: Pathogenic. Review status: no assertion criteria provided. Collection method: clinical testing. Allele origin: germline. Affected: yes. Study: VKGL Data-share Consensus. Not counted in ClinVar's aggregate classification.

Literature cited by the submitters: PubMed 17701897 (cited by 3 submitters); PubMed 12107819 (cited by 4 submitters); PubMed 14569125 (cited by 3 submitters); PubMed 16244706 (cited by 4 submitters); PubMed 33444820 (cited by Natera, Inc.); PubMed 33567347 (cited by Natera, Inc.); PubMed 20375313 (cited by Women's Health and Genetics/Laboratory Corporation of America, LabCorp); PubMed 17189938 (cited by Counsyl).